The following is an entry in ClinVar:

ClinVar aggregate classification (germline): Uncertain significance (1 of 4 stars; one submission).

Conditions:
Usher syndrome type 3B. Also called: USHER SYNDROME, TYPE IIIB. Identifiers: MedGen C3281066, MONDO:0013788, OMIM 614504.

Submission:

Labcorp Genetics (formerly Invitae), Labcorp
Classification: Uncertain significance for Usher syndrome type 3B. Last evaluated: 2026-01-12. Review status: criteria provided, single submitter. Criteria: Invitae Variant Classification Sherloc (09022015). Collection method: clinical testing. Allele origin: germline.
Comment: This sequence change replaces tyrosine, which is neutral and polar, with asparagine, which is neutral and polar, at codon 454 of the HARS protein (p.Tyr454Asn). This variant is not present in population databases (gnomAD no frequency). This variant has not been reported in the literature in individuals affected with HARS-related conditions. Invitae Evidence Modeling of protein sequence and biophysical properties (such as structural, functional, and spatial information, amino acid conservation, physicochemical variation, residue mobility, and thermodynamic stability) indicates that this missense variant is not expected to disrupt HARS protein function with a negative predictive value of 80%. In summary, the available evidence is currently insufficient to determine the role of this variant in disease. Therefore, it has been classified as a Variant of Uncertain Significance.

NM_002109.6(HARS1):c.1360T>A (p.Tyr454Asn)

Gene: HARS1 (histidyl-tRNA synthetase 1; minus strand). Cytogenetic location: 5q31.3.
Variant type: single nucleotide variant.
Coding change: c.1360T>A on transcript NM_002109.6 (MANE Select); coding-DNA position 1360, T replaced by A.
Protein change: p.Tyr454Asn; replaces tyrosine 454 with asparagine.
Molecular consequence: missense variant.
Genome position (GRCh38, 1-based): chr5:140,674,777, A>T on the plus strand (T>A on the coding strand, the complement: HARS1 is on the minus strand). VCF-style: chr5-140674777-A-T. GRCh37 (hg19) VCF-style: chr5-140054362-A-T.
Other names: c.1240T>A, p.Tyr414Asn (NM_001258040.3); c.1300T>A, p.Tyr434Asn (NM_001258041.3); c.1180T>A, p.Tyr394Asn (NM_001258042.3); c.1138T>A, p.Tyr380Asn (NM_001289092.2); c.1018T>A, p.Tyr340Asn (NM_001289093.2); c.1273T>A, p.Tyr425Asn (NM_001289094.2); short protein forms Y340N, Y394N, Y414N, Y454N, Y380N, Y425N, Y434N.
Identifiers: ClinVar variation 4741614 (VCV004741614.1).